The following is an entry in ClinVar:

ClinVar aggregate classification (germline): Conflicting classifications of pathogenicity. Review status: criteria provided, conflicting classifications (1 of 4 stars). 3 submissions from 3 submitters: Uncertain significance (1); Likely benign (1). 1 of the submissions does not count toward it. Last evaluated 2024-12-02.

Conditions:
RPGRIP1-related disorder. Also called: RPGRIP1-related condition.
Cone-rod dystrophy 13 (CORD13). Identifiers: Orphanet 1872, MedGen C2750720, MONDO:0011987, OMIM 608194.
Leber congenital amaurosis 6 (LCA6). Identifiers: Orphanet 65, MedGen C1854260, MONDO:0013446, OMIM 613826.

Allele frequency attached by ClinVar (database versions not stated): ExAC 0.00010; gnomAD exomes 0.00011; gnomAD 0.00014; TOPMed 0.00033; 1000 Genomes Project 0.00040; 1000 Genomes Project 30x 0.00062.
gnomAD v4.1: 63 of 1,611,944 alleles (0.0039%); highest among the groups gnomAD compares: Admixed American, 0.099%; no homozygotes.

Submissions (3):

Labcorp Genetics (formerly Invitae), Labcorp
Classification: Uncertain significance for Leber congenital amaurosis 6; Cone-rod dystrophy 13. Last evaluated: 2024-12-02. Review status: criteria provided, single submitter. Criteria: Invitae Variant Classification Sherloc (09022015). Collection method: clinical testing. Allele origin: germline.
Comment: This sequence change affects codon 587 of the RPGRIP1 mRNA. It is a 'silent' change, meaning that it does not change the encoded amino acid sequence of the RPGRIP1 protein. It affects a nucleotide within the consensus splice site. This variant is present in population databases (rs559041866, gnomAD 0.08%). This variant has not been reported in the literature in individuals affected with RPGRIP1-related conditions. ClinVar contains an entry for this variant (Variation ID: 864720). Algorithms developed to predict the effect of sequence changes on RNA splicing suggest that this variant is not likely to affect RNA splicing. In summary, the available evidence is currently insufficient to determine the role of this variant in disease. Therefore, it has been classified as a Variant of Uncertain Significance.

Blueprint Genetics
Classification: Likely benign. Last evaluated: 2021-10-11. Review status: criteria provided, single submitter. Criteria: ACMG Guidelines, 2015. Collection method: clinical testing. Allele origin: germline.

PreventionGenetics, part of Exact Sciences
Classification: Likely benign for RPGRIP1-related condition. Last evaluated: 2019-05-22. Review status: no assertion criteria provided. Collection method: clinical testing. Allele origin: germline. Not counted in ClinVar's aggregate classification.
Comment: This variant is classified as likely benign based on ACMG/AMP sequence variant interpretation guidelines (Richards et al. 2015 PMID: 25741868, with internal and published modifications).

NM_020366.4(RPGRIP1):c.1761T>C (p.Ser587=)

Gene: RPGRIP1 (RPGR interacting protein 1; plus strand). Cytogenetic location: 14q11.2.
Variant type: single nucleotide variant.
Coding change: c.1761T>C on transcript NM_020366.4 (MANE Select); coding-DNA position 1761, T replaced by C.
Protein change: p.Ser587=; no amino-acid change (serine 587 retained).
Molecular consequence: synonymous variant.
Genome position (GRCh38, 1-based): chr14:21,322,003, T>C. VCF-style: chr14-21322003-T-C. GRCh37 (hg19) VCF-style: chr14-21790162-T-C.
Other names: c.687T>C, p.Ser229= (NM_001377523.1, NM_001377948.1, NM_001377949.1 and 1 more transcripts); c.189T>C, p.Ser63= (NM_001377951.1).
Identifiers: ClinVar variation 864720 (VCV000864720.10), dbSNP rs559041866, ClinGen allele CA7089062.
Genomic context (GRCh38, chr14:21,322,003, plus strand): 5'-CAAGAATAACCGTATCAAGCAGCTGGAAGGTATTTTAAGAAGCCATGACCTTCCAACATC[T>C]GGCAAGTCTTAGTCCTTTGTTCTCCTCACTTCGGGACCCTTCCACAGCTAACGCCTGTGT-3'
Protein context (NP_065099.3, residues 577-597): GILRSHDLPT[Ser587=]EQLKDVAYGT